The following is an entry in ClinVar:

ClinVar aggregate classification (germline): Benign (0 of 4 stars; one submission).

Conditions:
NLRP14-related disorder. Also called: NLRP14-related condition.

Allele frequency attached by ClinVar (database versions not stated): ExAC 0.00154; ESP Exome Variant Server 0.00431; gnomAD 0.00443; 1000 Genomes Project 0.00479; 1000 Genomes Project 30x 0.00484; TOPMed 0.00519.
gnomAD v4.1: 1,375 of 1,614,126 alleles (0.085%); highest among the groups gnomAD compares: African/African-American, 1.5%; 12 homozygotes.

Submission:

PreventionGenetics, part of Exact Sciences
Classification: Benign for NLRP14-related condition. Last evaluated: 2019-06-13. Review status: no assertion criteria provided. Collection method: clinical testing. Allele origin: germline.
Comment: This variant is classified as benign based on ACMG/AMP sequence variant interpretation guidelines (Richards et al. 2015 PMID: 25741868, with internal and published modifications).

NM_176822.4(NLRP14):c.152A>G (p.Lys51Arg)

Gene: NLRP14 (NLR family pyrin domain containing 14; plus strand). Cytogenetic location: 11p15.4.
Variant type: single nucleotide variant.
Coding change: c.152A>G on transcript NM_176822.4 (MANE Select); coding-DNA position 152, A replaced by G.
Protein change: p.Lys51Arg; replaces lysine 51 with arginine.
Molecular consequence: missense variant.
Genome position (GRCh38, 1-based): chr11:7,038,738, A>G. VCF-style: chr11-7038738-A-G. GRCh37 (hg19) VCF-style: chr11-7059969-A-G.
Other names: short protein forms K51R.
Identifiers: ClinVar variation 3056667 (VCV003056667.2), dbSNP rs114824825, ClinGen allele CA5864486.
Genomic context (GRCh38, chr11:7,038,738, plus strand): 5'-AGTTATTCCTAAAGGAGACCATGGAACCTGAGCATGGCCTGACACCCTGGAATGAAGTGA[A>G]GAAGGCCAGGCGGGAGGACCTGGCCAATTTGATGAAGAAATATTATCCAGGAGAGAAAGC-3'
Protein context (NP_789792.1, residues 41-61): EHGLTPWNEV[Lys51Arg]KARREDLANL